The following continues an entry in ClinVar:

NM_022095.4(ZNF335):c.3187C>A (p.Arg1063=)

Gene: ZNF335. ClinVar aggregate classification (germline): Benign/Likely benign. Benign (3); Likely benign (2).

Submissions 70 to 97 of 97:

Dr. Peter K. Rogan Lab, Western University
No classification provided (evidence only). Condition: Thymoma. Review status: no classification provided. Collection method: in vitro. Allele origin: not applicable. Functional consequence: retained intron. Not counted in ClinVar's aggregate classification.

Dr. Peter K. Rogan Lab, Western University
No classification provided (evidence only). Condition: Thymoma. Review status: no classification provided. Collection method: in vitro. Allele origin: not applicable. Functional consequence: retained intron. Not counted in ClinVar's aggregate classification.

Dr. Peter K. Rogan Lab, Western University
No classification provided (evidence only). Condition: Thymoma. Review status: no classification provided. Collection method: in vitro. Allele origin: not applicable. Functional consequence: cryptic splice site, retained intron. Not counted in ClinVar's aggregate classification.

Dr. Peter K. Rogan Lab, Western University
No classification provided (evidence only). Condition: Thymoma. Review status: no classification provided. Collection method: in vitro. Allele origin: not applicable. Functional consequence: retained intron. Not counted in ClinVar's aggregate classification.

Dr. Peter K. Rogan Lab, Western University
No classification provided (evidence only). Condition: Cholangiocarcinoma. Review status: no classification provided. Collection method: in vitro. Allele origin: not applicable. Functional consequence: retained intron. Not counted in ClinVar's aggregate classification.

Dr. Peter K. Rogan Lab, Western University
No classification provided (evidence only). Condition: Gastric cancer. Review status: no classification provided. Collection method: in vitro. Allele origin: not applicable. Functional consequence: retained intron. Not counted in ClinVar's aggregate classification.

Dr. Peter K. Rogan Lab, Western University
No classification provided (evidence only). Condition: Gastric cancer. Review status: no classification provided. Collection method: in vitro. Allele origin: not applicable. Functional consequence: retained intron. Not counted in ClinVar's aggregate classification.

Dr. Peter K. Rogan Lab, Western University
No classification provided (evidence only). Condition: Gastric cancer. Review status: no classification provided. Collection method: in vitro. Allele origin: not applicable. Functional consequence: retained intron. Not counted in ClinVar's aggregate classification.

Dr. Peter K. Rogan Lab, Western University
No classification provided (evidence only). Condition: Gastric cancer. Review status: no classification provided. Collection method: in vitro. Allele origin: not applicable. Functional consequence: retained intron. Not counted in ClinVar's aggregate classification.

Dr. Peter K. Rogan Lab, Western University
No classification provided (evidence only). Condition: Gastric cancer. Review status: no classification provided. Collection method: in vitro. Allele origin: not applicable. Functional consequence: retained intron. Not counted in ClinVar's aggregate classification.

Dr. Peter K. Rogan Lab, Western University
No classification provided (evidence only). Condition: Gastric cancer. Review status: no classification provided. Collection method: in vitro. Allele origin: not applicable. Functional consequence: retained intron. Not counted in ClinVar's aggregate classification.

Dr. Peter K. Rogan Lab, Western University
No classification provided (evidence only). Condition: Gastric cancer. Review status: no classification provided. Collection method: in vitro. Allele origin: not applicable. Functional consequence: retained intron. Not counted in ClinVar's aggregate classification.

Dr. Peter K. Rogan Lab, Western University
No classification provided (evidence only). Condition: Gastric cancer. Review status: no classification provided. Collection method: in vitro. Allele origin: not applicable. Functional consequence: retained intron. Not counted in ClinVar's aggregate classification.

Dr. Peter K. Rogan Lab, Western University
No classification provided (evidence only). Condition: Gastric cancer. Review status: no classification provided. Collection method: in vitro. Allele origin: not applicable. Functional consequence: retained intron. Not counted in ClinVar's aggregate classification.

Dr. Peter K. Rogan Lab, Western University
No classification provided (evidence only). Condition: Gastric cancer. Review status: no classification provided. Collection method: in vitro. Allele origin: not applicable. Functional consequence: retained intron. Not counted in ClinVar's aggregate classification.

Dr. Peter K. Rogan Lab, Western University
No classification provided (evidence only). Condition: Adrenocortical carcinoma, hereditary. Review status: no classification provided. Collection method: in vitro. Allele origin: not applicable. Functional consequence: retained intron. Not counted in ClinVar's aggregate classification.

Dr. Peter K. Rogan Lab, Western University
No classification provided (evidence only). Condition: Adrenocortical carcinoma, hereditary. Review status: no classification provided. Collection method: in vitro. Allele origin: not applicable. Functional consequence: cryptic splice site, retained intron. Not counted in ClinVar's aggregate classification.

Dr. Peter K. Rogan Lab, Western University
No classification provided (evidence only). Condition: Adrenocortical carcinoma, hereditary. Review status: no classification provided. Collection method: in vitro. Allele origin: not applicable. Functional consequence: retained intron. Not counted in ClinVar's aggregate classification.

Dr. Peter K. Rogan Lab, Western University
No classification provided (evidence only). Condition: Uterine carcinosarcoma. Review status: no classification provided. Collection method: in vitro. Allele origin: not applicable. Functional consequence: retained intron. Not counted in ClinVar's aggregate classification.

Dr. Peter K. Rogan Lab, Western University
No classification provided (evidence only). Condition: Uterine carcinosarcoma. Review status: no classification provided. Collection method: in vitro. Allele origin: not applicable. Functional consequence: retained intron. Not counted in ClinVar's aggregate classification.

Dr. Peter K. Rogan Lab, Western University
No classification provided (evidence only). Condition: Uterine carcinosarcoma. Review status: no classification provided. Collection method: in vitro. Allele origin: not applicable. Functional consequence: retained intron. Not counted in ClinVar's aggregate classification.

Dr. Peter K. Rogan Lab, Western University
No classification provided (evidence only). Condition: Uveal melanoma. Review status: no classification provided. Collection method: in vitro. Allele origin: not applicable. Functional consequence: cryptic splice site, retained intron. Not counted in ClinVar's aggregate classification.

Dr. Peter K. Rogan Lab, Western University
No classification provided (evidence only). Condition: Malignant tumor of esophagus. Review status: no classification provided. Collection method: in vitro. Allele origin: not applicable. Functional consequence: retained intron. Not counted in ClinVar's aggregate classification.

Dr. Peter K. Rogan Lab, Western University
No classification provided (evidence only). Condition: Malignant tumor of esophagus. Review status: no classification provided. Collection method: in vitro. Allele origin: not applicable. Functional consequence: cryptic splice site, retained intron. Not counted in ClinVar's aggregate classification.

Dr. Peter K. Rogan Lab, Western University
No classification provided (evidence only). Condition: Malignant tumor of esophagus. Review status: no classification provided. Collection method: in vitro. Allele origin: not applicable. Functional consequence: retained intron. Not counted in ClinVar's aggregate classification.

Dr. Peter K. Rogan Lab, Western University
No classification provided (evidence only). Condition: Malignant tumor of esophagus. Review status: no classification provided. Collection method: in vitro. Allele origin: not applicable. Functional consequence: retained intron. Not counted in ClinVar's aggregate classification.

Dr. Peter K. Rogan Lab, Western University
No classification provided (evidence only). Condition: Malignant tumor of esophagus. Review status: no classification provided. Collection method: in vitro. Allele origin: not applicable. Functional consequence: cryptic splice site, retained intron. Not counted in ClinVar's aggregate classification.

Genetic Services Laboratory, University of Chicago
Classification: Likely benign for AllHighlyPenetrant. Review status: no assertion criteria provided. Collection method: clinical testing. Allele origin: germline. Inheritance: Autosomal recessive inheritance. Not counted in ClinVar's aggregate classification.
Comment: Likely benign based on allele frequency in 1000 Genomes Project or ESP global frequency and its presence in a patient with a rare or unrelated disease phenotype. NOT Sanger confirmed.